The following is an entry in ClinVar:

ClinVar aggregate classification (germline): Uncertain significance (1 of 4 stars; one submission).

Conditions:
Brown-Vialetto-van Laere syndrome 1. Also called: BROWN-VIALETTO-VAN LAERE SYNDROME 1, MILD; BULBAR PALSY, PROGRESSIVE, WITH SENSORINEURAL DEAFNESS; PONTOBULBAR PALSY WITH DEAFNESS. Identifiers: Orphanet 572550, Orphanet 97229, MedGen C0796274, MONDO:0024537, OMIM 211530.

Submission:

Labcorp Genetics (formerly Invitae), Labcorp
Classification: Uncertain significance for Brown-Vialetto-van Laere syndrome 1. Last evaluated: 2022-05-12. Review status: criteria provided, single submitter. Criteria: Invitae Variant Classification Sherloc (09022015). Collection method: clinical testing. Allele origin: germline.
Comment: This variant has not been reported in the literature in individuals affected with SLC52A3-related conditions. In summary, the available evidence is currently insufficient to determine the role of this variant in disease. Therefore, it has been classified as a Variant of Uncertain Significance. Algorithms developed to predict the effect of missense changes on protein structure and function are either unavailable or do not agree on the potential impact of this missense change (SIFT: "Deleterious"; PolyPhen-2: "Benign"; Align-GVGD: "Class C0"). This variant is not present in population databases (gnomAD no frequency). This sequence change replaces threonine, which is neutral and polar, with isoleucine, which is neutral and non-polar, at codon 19 of the SLC52A3 protein (p.Thr19Ile).

NM_033409.4(SLC52A3):c.56C>T (p.Thr19Ile)

Gene: SLC52A3 (solute carrier family 52 member 3; minus strand). Cytogenetic location: 20p13.
Variant type: single nucleotide variant.
Coding change: c.56C>T on transcript NM_033409.4 (MANE Select); coding-DNA position 56, C replaced by T.
Protein change: p.Thr19Ile; replaces threonine 19 with isoleucine.
Molecular consequence: missense variant.
Genome position (GRCh38, 1-based): chr20:765,719, G>A on the plus strand (C>T on the coding strand, the complement: SLC52A3 is on the minus strand). VCF-style: chr20-765719-G-A. GRCh37 (hg19) VCF-style: chr20-746363-G-A.
Other names: c.56C>T, p.Thr19Ile (NM_001370085.1, NM_001370086.1); short protein forms T19I.
Identifiers: ClinVar variation 1993579 (VCV001993579.4), dbSNP rs2514853337, ClinGen allele CA407964629.